The following is an entry in ClinVar:

NM_012232.6(CAVIN1):c.126G>A (p.Glu42=)

Gene: CAVIN1 (caveolae associated protein 1; minus strand). Cytogenetic location: 17q21.2.
Variant type: single nucleotide variant.
Coding change: c.126G>A on transcript NM_012232.6 (MANE Select); coding-DNA position 126, G replaced by A.
Protein change: p.Glu42=; no amino-acid change (glutamic acid 42 retained).
Molecular consequence: synonymous variant.
Genome position (GRCh38, 1-based): chr17:42,422,972, C>T on the plus strand (G>A on the coding strand, the complement: CAVIN1 is on the minus strand). VCF-style: chr17-42422972-C-T. GRCh37 (hg19) VCF-style: chr17-40574990-C-T.
Identifiers: ClinVar variation 2672696 (VCV002672696.23), dbSNP rs766360592, ClinGen allele CA8575938.

ClinVar aggregate classification (germline): Likely benign (1 of 4 stars; one submission).

Allele frequency attached by ClinVar (database versions not stated): TOPMed 0.00001; gnomAD exomes 0.00002; ExAC 0.00003; gnomAD 0.00004.

Submission:

CeGaT Center for Human Genetics Tuebingen
Classification: Likely benign. Last evaluated: 2023-11-01. Review status: criteria provided, single submitter. Criteria: CeGaT Center For Human Genetics Tuebingen Variant Classification Criteria Version 2. Collection method: clinical testing. Allele origin: germline. Affected: yes. Observed: 1 variant allele.
Comment: CAVIN1: BP4, BP7